The following is an entry in ClinVar:

ClinVar aggregate classification (germline): Uncertain significance (1 of 4 stars; one submission).

Conditions:
Developmental and epileptic encephalopathy, 9 (DEE9). Also called: EPILEPSY, FEMALE-RESTRICTED, WITH MENTAL RETARDATION; PCDH19-Related X-Linked Female-Limited Epilepsy with Mental Retardation; Early infantile epileptic encephalopathy 9; JUBERG-HELLMAN SYNDROME. Identifiers: Orphanet 101039, Orphanet 2076, MedGen C1848137, MONDO:0010246, OMIM 300088. Disease mechanism: loss of function.

Submission:

Labcorp Genetics (formerly Invitae), Labcorp
Classification: Uncertain significance for Developmental and epileptic encephalopathy, 9. Last evaluated: 2025-06-14. Review status: criteria provided, single submitter. Criteria: Invitae Variant Classification Sherloc (09022015). Collection method: clinical testing. Allele origin: germline.
Comment: This sequence change replaces serine, which is neutral and polar, with arginine, which is basic and polar, at codon 758 of the PCDH19 protein (p.Ser758Arg). This variant is not present in population databases (gnomAD no frequency). This variant has not been reported in the literature in individuals affected with PCDH19-related conditions. ClinVar contains an entry for this variant (Variation ID: 1012004). Invitae Evidence Modeling of protein sequence and biophysical properties (such as structural, functional, and spatial information, amino acid conservation, physicochemical variation, residue mobility, and thermodynamic stability) indicates that this missense variant is not expected to disrupt PCDH19 protein function with a negative predictive value of 95%. In summary, the available evidence is currently insufficient to determine the role of this variant in disease. Therefore, it has been classified as a Variant of Uncertain Significance.

NM_001184880.2(PCDH19):c.2274C>A (p.Ser758Arg)

Genes: PCDH19 (protocadherin 19; minus strand), LOC125467768 (CDK7 strongly-dependent group 2 enhancer GRCh37_chrX:99657381-99658580; plus strand). Cytogenetic location: Xq22.1.
Variant type: single nucleotide variant.
Coding change: c.2274C>A on transcript NM_001184880.2 (MANE Select); coding-DNA position 2274, C replaced by A.
Protein change: p.Ser758Arg; replaces serine 758 with arginine.
Molecular consequence: missense variant. On other transcripts: intron variant (2).
Genome position (GRCh38, 1-based): chrX:100,403,538, G>T on the plus strand (C>A on the coding strand, the complement: PCDH19 is on the minus strand). VCF-style: chrX-100403538-G-T. GRCh37 (hg19) VCF-style: chrX-99658536-G-T.
Other names: c.2148-687C>A (NM_020766.3, NM_001105243.2); short protein forms S758R.
Identifiers: ClinVar variation 1012004 (VCV001012004.13), dbSNP rs1928258437, ClinGen allele CA414006609.
Genomic context (GRCh38, chrX:100,403,538, plus strand): 5'-AATCTAATAGCCAAACCCATTTAAATGAGGGGAAATGCCTTTTTACCTCTTTCCCCTTAG[G>T]CTCACTTTCTCCTCTGTCTTTTTGTCTTGCTCCTCGCTAATGGGAGAAACCGAGATGCAA-3'
Protein context (NP_001171809.1, residues 748-768): EQDKKTEEKV[Ser758Arg]LRGKRIAEYS